The following is an entry in ClinVar:

NM_001080449.3(DNA2):c.287T>C (p.Ile96Thr)

Gene: DNA2 (DNA replication helicase/nuclease 2; minus strand). Cytogenetic location: 10q21.3.
Variant type: single nucleotide variant.
Coding change: c.287T>C on transcript NM_001080449.3 (MANE Select); coding-DNA position 287, T replaced by C.
Protein change: p.Ile96Thr; replaces isoleucine 96 with threonine.
Molecular consequence: missense variant. On other transcripts: non-coding transcript variant (1).
Genome position (GRCh38, 1-based): chr10:68,468,277, A>G on the plus strand (T>C on the coding strand, the complement: DNA2 is on the minus strand). VCF-style: chr10-68468277-A-G. GRCh37 (hg19) VCF-style: chr10-70228034-A-G.
Other names: short protein forms I96T.
Identifiers: ClinVar variation 449765 (VCV000449765.9), dbSNP rs373811580, ClinGen allele CA5525328.

ClinVar aggregate classification (germline): Uncertain significance. Review status: criteria provided, multiple submitters, no conflicts (2 of 4 stars). 4 submissions from 4 submitters: Uncertain significance (4). Last evaluated 2026-01-02.

Conditions:
DNA2-related disorder. Also called: DNA2-related condition.
Inborn genetic diseases. Identifiers: MedGen C0950123, MeSH D030342.

Allele frequency attached by ClinVar (database versions not stated): gnomAD exomes 0.00001 and 0.00003; ExAC 0.00004; TOPMed 0.00011; gnomAD 0.00013 and 0.00014; ESP Exome Variant Server 0.00017.
gnomAD v4.1: 55 of 1,607,918 alleles (0.0034%); highest among the groups gnomAD compares: African/African-American, 0.036%; no homozygotes.

Submissions (4):

Labcorp Genetics (formerly Invitae), Labcorp
Classification: Uncertain significance. Last evaluated: 2026-01-02. Review status: criteria provided, single submitter. Criteria: Invitae Variant Classification Sherloc (09022015). Collection method: clinical testing. Allele origin: germline.
Comment: This sequence change replaces isoleucine, which is neutral and non-polar, with threonine, which is neutral and polar, at codon 96 of the DNA2 protein (p.Ile96Thr). This variant is present in population databases (rs373811580, gnomAD 0.04%). This variant has not been reported in the literature in individuals affected with DNA2-related conditions. ClinVar contains an entry for this variant (Variation ID: 449765). Invitae Evidence Modeling of protein sequence and biophysical properties (such as structural, functional, and spatial information, amino acid conservation, physicochemical variation, residue mobility, and thermodynamic stability) indicates that this missense variant is not expected to disrupt DNA2 protein function with a negative predictive value of 80%. In summary, the available evidence is currently insufficient to determine the role of this variant in disease. Therefore, it has been classified as a Variant of Uncertain Significance.

PreventionGenetics, part of Exact Sciences
Classification: Uncertain significance for DNA2-related condition. Last evaluated: 2024-11-18. Review status: criteria provided, single submitter. Criteria: ACMG Guidelines, 2015. Collection method: clinical testing. Allele origin: germline.
Comment: The DNA2 c.287T>C variant is predicted to result in the amino acid substitution p.Ile96Thr. To our knowledge, this variant has not been reported in the literature. This variant is reported in 0.037% of alleles in individuals of African descent in gnomAD. At this time, the clinical significance of this variant is uncertain due to the absence of conclusive functional and genetic evidence.

Ambry Genetics
Classification: Uncertain significance for Inborn genetic diseases. Last evaluated: 2021-10-20. Review status: criteria provided, single submitter. Criteria: Ambry Variant Classification Scheme 2023. Collection method: clinical testing. Allele origin: germline.

GeneDx
Classification: Uncertain significance. Last evaluated: 2019-11-22. Review status: criteria provided, single submitter. Criteria: GeneDx Variant Classification Process June 2021. Collection method: clinical testing. Allele origin: germline. Affected: yes.
Comment: In silico analysis, which includes protein predictors and evolutionary conservation, supports a deleterious effect; Has not been previously published as pathogenic or benign to our knowledge